The following is an entry in ClinVar:

NM_013275.6(ANKRD11):c.6703_6714del (p.Pro2235_Ser2238del)

Gene: ANKRD11 (ankyrin repeat domain 11; minus strand). Cytogenetic location: 16q24.3.
Variant type: Deletion.
Coding change: c.6703_6714del on transcript NM_013275.6 (MANE Select); coding-DNA positions 6703 to 6714, 12 bases deleted (CCGGACTCCAGC).
Protein change: p.Pro2235_Ser2238del.
Molecular consequence: inframe deletion.
Genome position (GRCh38, 1-based): chr16:89,279,828-89,279,839, GCTGGAGTCCGG deleted on the plus strand (CCGGACTCCAGC on the coding strand, the reverse complement: ANKRD11 is on the minus strand). VCF-style (leftmost placement, unchanged base first): chr16-89279827-CGCTGGAGTCCGG-C. GRCh37 (hg19) VCF-style: chr16-89346235-CGCTGGAGTCCGG-C.
Other names: c.6703_6714del, p.Pro2235_Ser2238del (NM_001256182.2, NM_001256183.2).
Identifiers: ClinVar variation 5018926 (VCV005018926.2).

ClinVar aggregate classification (germline): Uncertain significance (1 of 4 stars; one submission).

Conditions:
KBG syndrome (KBGS). Also called: ANKRD11-Related KBG Syndrome. Identifiers: Orphanet 2332, MedGen C0220687, MONDO:0007846, OMIM 148050.

Submission:

Juno Genomics, Hangzhou Juno Genomics, Inc
Classification: Uncertain significance for KBG syndrome. Review status: criteria provided, single submitter. Criteria: ACMG Guidelines, 2015. Collection method: clinical testing. Allele origin: germline.
Comment: Absent from controls (or at extremely low frequency if recessive) in Genome Aggregation Database.;Protein length changes due to in-frame deletions/insertions in a non-repeat region or stop-loss variants.